The following is an entry in ClinVar:

ClinVar aggregate classification (germline): Benign. Review status: criteria provided, single submitter (1 of 4 stars). 2 submissions from 2 submitters: Benign (1). 1 of the submissions does not count toward it. Last evaluated 2026-02-01.

Conditions:
EVC2-related disorder. Also called: EVC2-related condition.
Ellis-van Creveld syndrome (EVC). Also called: EVC-Related Ellis-van Creveld Syndrome; EVC2-Related Ellis-van Creveld Syndrome; Chondroectodermal dysplasia; MESOECTODERMAL DYSPLASIA. Identifiers: Orphanet 289, MedGen C0013903, MONDO:0009162, OMIM 225500.
Curry-Hall syndrome (WAD). Also called: WEYERS ACRODENTAL DYSOSTOSIS. Identifiers: Orphanet 952, MedGen C0457013, MONDO:0008673, OMIM 193530.

Allele frequency attached by ClinVar (database versions not stated): 1000 Genomes Project 30x 0.00125; 1000 Genomes Project 0.00140.
gnomAD v4.1: 401 of 1,613,558 alleles (0.025%); highest among the groups gnomAD compares: South Asian, 0.42%; no homozygotes.

Submissions (2):

Labcorp Genetics (formerly Invitae), Labcorp
Classification: Benign for Curry-Hall syndrome; Ellis-van Creveld syndrome. Last evaluated: 2026-02-01. Review status: criteria provided, single submitter. Criteria: Invitae Variant Classification Sherloc (09022015). Collection method: clinical testing. Allele origin: germline.

PreventionGenetics, part of Exact Sciences
Classification: Likely benign for EVC2-related condition. Last evaluated: 2021-12-09. Review status: no assertion criteria provided. Collection method: clinical testing. Allele origin: germline. Not counted in ClinVar's aggregate classification.
Comment: This variant is classified as likely benign based on ACMG/AMP sequence variant interpretation guidelines (Richards et al. 2015 PMID: 25741868, with internal and published modifications).

NM_147127.5(EVC2):c.2571C>T (p.Gly857=)

Gene: EVC2 (EvC ciliary complex subunit 2; minus strand). Cytogenetic location: 4p16.2.
Variant type: single nucleotide variant.
Coding change: c.2571C>T on transcript NM_147127.5 (MANE Select); coding-DNA position 2571, C replaced by T.
Protein change: p.Gly857=; no amino-acid change (glycine 857 retained).
Molecular consequence: synonymous variant.
Genome position (GRCh38, 1-based): chr4:5,618,613, G>A on the plus strand (C>T on the coding strand, the complement: EVC2 is on the minus strand). VCF-style: chr4-5618613-G-A. GRCh37 (hg19) VCF-style: chr4-5620340-G-A.
Other names: c.2331C>T, p.Gly777= (NM_001166136.2).
Identifiers: ClinVar variation 772045 (VCV000772045.14), dbSNP rs533262793, ClinGen allele CA2834666.